The following is an entry in ClinVar:

ClinVar aggregate classification (germline): Uncertain significance (1 of 4 stars; one submission).

Conditions:
Ichthyosis linearis circumflexa. Identifiers: MedGen C0265962, MONDO:0043106, HP:0025810.

Allele frequency attached by ClinVar (database versions not stated): ExAC 0.00001; gnomAD 0.00001.
gnomAD v4.1: 1 of 1,612,620 alleles (0.000062%); highest among the groups gnomAD compares: Middle Eastern, 0.016%; no homozygotes.

Submission:

Labcorp Genetics (formerly Invitae), Labcorp
Classification: Uncertain significance for Ichthyosis linearis circumflexa. Last evaluated: 2026-01-05. Review status: criteria provided, single submitter. Criteria: Invitae Variant Classification Sherloc (09022015). Collection method: clinical testing. Allele origin: germline.
Comment: This sequence change affects codon 60 of the SPINK5 mRNA. It is a 'silent' change, meaning that it does not change the encoded amino acid sequence of the SPINK5 protein. This variant is present in population databases (rs766432990, gnomAD 0.0009%). This variant has not been reported in the literature in individuals affected with SPINK5-related conditions. ClinVar contains an entry for this variant (Variation ID: 1913452). Algorithms developed to predict the effect of sequence changes on RNA splicing suggest that this variant may disrupt the consensus splice site. In summary, the available evidence is currently insufficient to determine the role of this variant in disease. Therefore, it has been classified as a Variant of Uncertain Significance.

NM_006846.4(SPINK5):c.180C>T (p.Ile60=)

Gene: SPINK5 (serine peptidase inhibitor Kazal type 5; plus strand). Cytogenetic location: 5q32.
Variant type: single nucleotide variant.
Coding change: c.180C>T on transcript NM_006846.4 (MANE Select); coding-DNA position 180, C replaced by T.
Protein change: p.Ile60=; no amino-acid change (isoleucine 60 retained).
Molecular consequence: synonymous variant.
Genome position (GRCh38, 1-based): chr5:148,070,421, C>T. VCF-style: chr5-148070421-C-T. GRCh37 (hg19) VCF-style: chr5-147449984-C-T.
Other names: c.180C>T, p.Ile60= (NM_001127698.2, NM_001127699.2).
Identifiers: ClinVar variation 1913452 (VCV001913452.5), dbSNP rs766432990, ClinGen allele CA3495122.